The following is an entry in ClinVar:

NM_002435.3(MPI):c.762C>T (p.Ile254=)

Gene: MPI (mannose phosphate isomerase; plus strand). Cytogenetic location: 15q24.1.
Variant type: single nucleotide variant.
Coding change: c.762C>T on transcript NM_002435.3 (MANE Select); coding-DNA position 762, C replaced by T.
Protein change: p.Ile254=; no amino-acid change (isoleucine 254 retained).
Molecular consequence: synonymous variant.
Genome position (GRCh38, 1-based): chr15:74,896,243, C>T. VCF-style: chr15-74896243-C-T. GRCh37 (hg19) VCF-style: chr15-75188584-C-T.
Other names: c.762C>T, p.Ile254= (NM_001289155.2); c.612C>T, p.Ile204= (NM_001289156.2); c.579C>T, p.Ile193= (NM_001289157.2); c.702C>T, p.Ile234= (NM_001330372.2).
Identifiers: ClinVar variation 94071 (VCV000094071.20), dbSNP rs12440159, ClinGen allele CA147582.

ClinVar aggregate classification (germline): Benign. Review status: criteria provided, multiple submitters, no conflicts (2 of 4 stars). 6 submissions from 6 submitters: Benign (5). 1 of the submissions does not count toward it. Last evaluated 2026-02-04.

Conditions:
MPI-congenital disorder of glycosylation. Also called: CONGENITAL DISORDER OF GLYCOSYLATION, TYPE Ib; PROTEIN-LOSING ENTEROPATHY-HEPATIC FIBROSIS SYNDROME; CDG Ib; MPI-CDG; MPI DEFICIENCY; MANNOSEPHOSPHATE ISOMERASE DEFICIENCY. Identifiers: Orphanet 79319, MedGen C1865145, MONDO:0011257, OMIM 602579.

Allele frequency attached by ClinVar (database versions not stated): gnomAD 0.00967 and 0.00855; ExAC 0.01735; 1000 Genomes Project 30x 0.02171; ESP Exome Variant Server 0.00200; gnomAD exomes 0.00627 and 0.02140; TOPMed 0.01500; 1000 Genomes Project 0.02336.
gnomAD v4.1: 10,637 of 1,614,204 alleles (0.66%); highest among the groups gnomAD compares: Admixed American, 9.7%; 501 homozygotes.

Submissions (6):

Labcorp Genetics (formerly Invitae), Labcorp
Classification: Benign for MPI-congenital disorder of glycosylation. Last evaluated: 2026-02-04. Review status: criteria provided, single submitter. Criteria: Invitae Variant Classification Sherloc (09022015). Collection method: clinical testing. Allele origin: germline.

Illumina Laboratory Services, Illumina
Classification: Benign for MPI-congenital disorder of glycosylation. Last evaluated: 2018-01-13. Review status: criteria provided, single submitter. Criteria: ICSL Variant Classification Criteria 13 December 2019. Collection method: clinical testing. Allele origin: germline.
Comment: This variant was observed in the ICSL laboratory as part of a predisposition screen in an ostensibly healthy population. It had not been previously curated by ICSL or reported in the Human Gene Mutation Database (HGMD: prior to June 1st, 2018), and was therefore a candidate for classification through an automated scoring system. Utilizing variant allele frequency, disease prevalence and penetrance estimates, and inheritance mode, an automated score was calculated to assess if this variant is too frequent to cause the disease. Based on the score and internal cut-off values, a variant classified as benign is not then subjected to further curation. The score for this variant resulted in a classification of benign for this disease.

GeneDx
Classification: Benign. Last evaluated: 2016-02-09. Review status: criteria provided, single submitter. Criteria: GeneDx Variant Classification (06012015). Collection method: clinical testing. Allele origin: germline. Affected: yes.
Comment: This variant is considered likely benign or benign based on one or more of the following criteria: it is a conservative change, it occurs at a poorly conserved position in the protein, it is predicted to be benign by multiple in silico algorithms, and/or has population frequency not consistent with disease.

Eurofins Ntd Llc (ga)
Classification: Benign. Last evaluated: 2014-01-14. Review status: criteria provided, single submitter. Criteria: EGL Classification Definitions 2015. Collection method: clinical testing. Allele origin: germline. Observed: 4 variant alleles, 4 heterozygotes.

Breakthrough Genomics
Classification: Benign. Review status: criteria provided, single submitter. Criteria: ACMG Guidelines, 2015. Collection method: not provided. Allele origin: germline. Inheritance: Autosomal recessive inheritance. Affected: yes.

Natera, Inc.
Classification: Benign for Congenital disorder of glycosylation type 1b. Last evaluated: 2020-09-16. Review status: no assertion criteria provided. Collection method: clinical testing. Allele origin: germline. Not counted in ClinVar's aggregate classification.